The following is an entry in ClinVar:

NM_052813.5(CARD9):c.-24A>C

Genes: CARD9 (caspase recruitment domain family member 9; minus strand), LOC113839540 (Sharpr-MPRA regulatory region 3996; plus strand). Cytogenetic location: 9q34.3.
Variant type: single nucleotide variant.
Coding change: c.-24A>C on transcript NM_052813.5 (MANE Select); 24 bases upstream of the start codon, A replaced by C.
Molecular consequence: 5 prime UTR variant.
Genome position (GRCh38, 1-based): chr9:136,373,539, T>G on the plus strand (A>C on the coding strand, the complement: CARD9 is on the minus strand). VCF-style: chr9-136373539-T-G. GRCh37 (hg19) VCF-style: chr9-139267991-T-G.
Other names: c.-24A>C (NM_052814.4).
Identifiers: ClinVar variation 365861 (VCV000365861.5), dbSNP rs73565169, ClinGen allele CA10632999.

ClinVar aggregate classification (germline): Benign (1 of 4 stars; one submission).

Conditions:
Predisposition to invasive fungal disease due to CARD9 deficiency (IMD103). Also called: CARD9 IMMUNODEFICIENCY; Candidiasis, familial, 2, autosomal recessive; IMMUNODEFICIENCY 103, SUSCEPTIBILITY TO FUNGAL INFECTIONS. Identifiers: Orphanet 457088, MedGen C1859353, MONDO:0008905, OMIM 212050.

Allele frequency attached by ClinVar (database versions not stated): gnomAD 0.00428 and 0.00451; TOPMed 0.00506; 1000 Genomes Project 0.00519; 1000 Genomes Project 30x 0.00547.
gnomAD v4.1: 955 of 985,542 alleles (0.097%); highest among the groups gnomAD compares: African/African-American, 1.5%; 8 homozygotes.

Submission:

Illumina Laboratory Services, Illumina
Classification: Benign for Predisposition to invasive fungal disease due to CARD9 deficiency. Last evaluated: 2018-01-13. Review status: criteria provided, single submitter. Criteria: ICSL Variant Classification Criteria 13 December 2019. Collection method: clinical testing. Allele origin: germline.
Comment: This variant was observed in the ICSL laboratory as part of a predisposition screen in an ostensibly healthy population. It had not been previously curated by ICSL or reported in the Human Gene Mutation Database (HGMD: prior to June 1st, 2018), and was therefore a candidate for classification through an automated scoring system. Utilizing variant allele frequency, disease prevalence and penetrance estimates, and inheritance mode, an automated score was calculated to assess if this variant is too frequent to cause the disease. Based on the score and internal cut-off values, a variant classified as benign is not then subjected to further curation. The score for this variant resulted in a classification of benign for this disease.